The following is an entry in ClinVar:

ClinVar aggregate classification (germline): Uncertain significance (1 of 4 stars; one submission).

Conditions:
Gorlin syndrome. Also called: Nevoid Basal Cell Carcinoma Syndrome; Basal cell nevus syndrome. Identifiers: Orphanet 377, MedGen C0004779, MONDO:0007187.

Allele frequency attached by ClinVar (database versions not stated): gnomAD 0.00004; ESP Exome Variant Server 0.00008.

Submission:

Labcorp Genetics (formerly Invitae), Labcorp
Classification: Uncertain significance for Gorlin syndrome. Last evaluated: 2024-07-25. Review status: criteria provided, single submitter. Criteria: Invitae Variant Classification Sherloc (09022015). Collection method: clinical testing. Allele origin: germline.
Comment: This sequence change replaces arginine, which is basic and polar, with cysteine, which is neutral and slightly polar, at codon 807 of the PTCH2 protein (p.Arg807Cys). This variant is present in population databases (rs376171572, gnomAD 0.008%). This variant has not been reported in the literature in individuals affected with PTCH2-related conditions. ClinVar contains an entry for this variant (Variation ID: 1484896). Advanced modeling of protein sequence and biophysical properties (such as structural, functional, and spatial information, amino acid conservation, physicochemical variation, residue mobility, and thermodynamic stability) performed at Invitae indicates that this missense variant is not expected to disrupt PTCH2 protein function with a negative predictive value of 80%. In summary, the available evidence is currently insufficient to determine the role of this variant in disease. Therefore, it has been classified as a Variant of Uncertain Significance.

NM_003738.5(PTCH2):c.2419C>T (p.Arg807Cys)

Gene: PTCH2 (patched 2; minus strand). Cytogenetic location: 1p34.1.
Variant type: single nucleotide variant.
Coding change: c.2419C>T on transcript NM_003738.5 (MANE Select); coding-DNA position 2419, C replaced by T.
Protein change: p.Arg807Cys; replaces arginine 807 with cysteine.
Molecular consequence: missense variant.
Genome position (GRCh38, 1-based): chr1:44,827,262, G>A on the plus strand (C>T on the coding strand, the complement: PTCH2 is on the minus strand). VCF-style: chr1-44827262-G-A. GRCh37 (hg19) VCF-style: chr1-45292934-G-A.
Other names: c.2419C>T, p.Arg807Cys (NM_001166292.2); short protein forms R807C.
Identifiers: ClinVar variation 1484896 (VCV001484896.8), dbSNP rs376171572, ClinGen allele CA823008.